The following is an entry in ClinVar:

NM_005499.3(UBA2):c.1542C>G (p.Gly514=)

Gene: UBA2 (ubiquitin like modifier activating enzyme 2; plus strand). Cytogenetic location: 19q13.11.
Variant type: single nucleotide variant.
Coding change: c.1542C>G on transcript NM_005499.3 (MANE Select); coding-DNA position 1542, C replaced by G.
Protein change: p.Gly514=; no amino-acid change (glycine 514 retained).
Molecular consequence: synonymous variant.
Genome position (GRCh38, 1-based): chr19:34,464,069, C>G. VCF-style: chr19-34464069-C-G. GRCh37 (hg19) VCF-style: chr19-34954974-C-G.
Other names: c.1254C>G, p.Gly418= (NM_001411139.1).
Identifiers: ClinVar variation 2571037 (VCV002571037.27), dbSNP rs775551383, ClinGen allele CA9368335.

ClinVar aggregate classification (germline): Likely benign (1 of 4 stars; one submission).

Allele frequency attached by ClinVar (database versions not stated): TOPMed below 0.00001; ExAC 0.00001; gnomAD 0.00001.
gnomAD v4.1: 28 of 1,613,830 alleles (0.0017%); highest among the groups gnomAD compares: Non-Finnish European, 0.0021%; no homozygotes.

Submission:

CeGaT Center for Human Genetics Tuebingen
Classification: Likely benign. Last evaluated: 2023-03-01. Review status: criteria provided, single submitter. Criteria: CeGaT Center For Human Genetics Tuebingen Variant Classification Criteria Version 2. Collection method: clinical testing. Allele origin: germline. Affected: yes. Observed: 1 variant allele.
Comment: UBA2: BP4, BP7